The following is an entry in ClinVar:

ClinVar aggregate classification (germline): Uncertain significance. Review status: criteria provided, multiple submitters, no conflicts (2 of 4 stars). 3 submissions from 3 submitters: Uncertain significance (3). Last evaluated 2024-09-20.

Conditions:
Inborn genetic diseases. Identifiers: MedGen C0950123, MeSH D030342.
Hawkinsinuria. Identifiers: Orphanet 2118, MedGen C2931042, MONDO:0007700, OMIM 140350, HP:0034457.
Tyrosinemia type III. Also called: Tyrosinemia type 3; 4-alpha hydroxyphenylpyruvic acid oxidase deficiency; 4-alpha hydroxyphenylpyruvate dioxygenase deficiency; 4-Hydroxyphenylpyruvate dioxygenase deficiency; 4-HYDROXYPHENYLPYRUVIC ACID OXIDASE DEFICIENCY. Identifiers: Orphanet 69723, MedGen C0268623, MONDO:0010162, OMIM 276710.

Allele frequency attached by ClinVar (database versions not stated): gnomAD 0.00002; ExAC 0.00003; gnomAD exomes 0.00004 and 0.00005; TOPMed 0.00004.
gnomAD v4.1: 79 of 1,613,966 alleles (0.0049%); highest among the groups gnomAD compares: Middle Eastern, 0.016%; no homozygotes.

Submissions (3):

Revvity Omics, Revvity
Classification: Uncertain significance. Last evaluated: 2024-09-20. Review status: criteria provided, single submitter. Criteria: ACMG Guidelines, 2015. Collection method: clinical testing. Allele origin: germline.

Labcorp Genetics (formerly Invitae), Labcorp
Classification: Uncertain significance for Tyrosinemia type III; Hawkinsinuria. Last evaluated: 2021-11-09. Review status: criteria provided, single submitter. Criteria: Invitae Variant Classification Sherloc (09022015). Collection method: clinical testing. Allele origin: germline.
Comment: This sequence change replaces glycine, which is neutral and non-polar, with serine, which is neutral and polar, at codon 53 of the HPD protein (p.Gly53Ser). This variant is present in population databases (rs758064577, gnomAD 0.01%). This variant has not been reported in the literature in individuals affected with HPD-related conditions. Algorithms developed to predict the effect of missense changes on protein structure and function (SIFT, PolyPhen-2, Align-GVGD) all suggest that this variant is likely to be disruptive. In summary, the available evidence is currently insufficient to determine the role of this variant in disease. Therefore, it has been classified as a Variant of Uncertain Significance.

Ambry Genetics
Classification: Uncertain significance for Inborn genetic diseases. Last evaluated: 2021-07-06. Review status: criteria provided, single submitter. Criteria: Ambry Variant Classification Scheme 2023. Collection method: clinical testing. Allele origin: germline.

NM_002150.3(HPD):c.157G>A (p.Gly53Ser)

Genes: HPD (4-hydroxyphenylpyruvate dioxygenase; minus strand), TIALD (transcript inducer of AURKA lysosomal degradation; plus strand). Cytogenetic location: 12q24.31.
Variant type: single nucleotide variant.
Coding change: c.157G>A on transcript NM_002150.3 (MANE Select); coding-DNA position 157, G replaced by A.
Protein change: p.Gly53Ser; replaces glycine 53 with serine.
Molecular consequence: missense variant.
Genome position (GRCh38, 1-based): chr12:121,857,369, C>T on the plus strand (G>A on the coding strand, the complement: HPD is on the minus strand). VCF-style: chr12-121857369-C-T. GRCh37 (hg19) VCF-style: chr12-122295275-C-T.
Other names: c.40G>A, p.Gly14Ser (NM_001171993.2); c.157G>A (NM_002150.2); short protein forms G14S, G53S.
Identifiers: ClinVar variation 1431142 (VCV001431142.5), dbSNP rs758064577, ClinGen allele CA6839800.
Genomic context (GRCh38, chr12:121,857,369, plus strand): 5'-CCTGGGGGTGGTGACTCACCTTCCCTTGTTTGATTACATGGCTGACCACCTCCCGGGAAC[C>T]GGTCTCCAGGCCCCTGTAGGCTAGAGGTTCAAAGCCCATCTTGCTGCAGTAGAATGACGT-3'
Protein context (NP_002141.2, residues 43-63): EPLAYRGLET[Gly53Ser]SREVVSHVIK